The following is an entry in ClinVar:

ClinVar aggregate classification (germline): Conflicting classifications of pathogenicity. Review status: criteria provided, conflicting classifications (1 of 4 stars). 5 submissions from 5 submitters: Likely pathogenic (1); Uncertain significance (3). 1 of the submissions does not count toward it. Last evaluated 2025-08-09.

Conditions:
GUCY2D-related disorder. Also called: GUCY2D-related condition.
Retinal dystrophy. Also called: Inherited retinal dystrophy. Identifiers: Orphanet 71862, MedGen C0854723, MeSH D058499, MONDO:0019118, HP:0000556.
Leber congenital amaurosis 1 (LCA1). Also called: AMAUROSIS CONGENITA OF LEBER I; Congenital absence of the rods and cones; Leber's congenital tapetoretinal degeneration; Leber's congenital tapetoretinal dysplasia; RETINAL BLINDNESS, CONGENITAL. Identifiers: Orphanet 65, MedGen C2931258, MONDO:0008764, OMIM 204000.
Cone-rod dystrophy 6 (CORD6). Also called: Cone dystrophy progressive; RETINAL CONE DYSTROPHY 2. Identifiers: Orphanet 1872, MedGen C1866293, MONDO:0011143, OMIM 601777.
Night blindness, congenital stationary, type1i. Also called: NIGHT BLINDNESS, CONGENITAL STATIONARY, TYPE 1I. Identifiers: MedGen C5231408, MONDO:0032811, OMIM 618555.

Allele frequency attached by ClinVar (database versions not stated): gnomAD exomes 0.00002; ExAC 0.00003; TOPMed 0.00003; gnomAD 0.00005; ESP Exome Variant Server 0.00008.
gnomAD v4.1: 35 of 1,612,940 alleles (0.0022%); highest among the groups gnomAD compares: Non-Finnish European, 0.0028%; no homozygotes.

Submissions (5):

Labcorp Genetics (formerly Invitae), Labcorp
Classification: Uncertain significance for Leber congenital amaurosis 1; Cone-rod dystrophy 6. Last evaluated: 2025-08-09. Review status: criteria provided, single submitter. Criteria: Invitae Variant Classification Sherloc (09022015). Collection method: clinical testing. Allele origin: germline.
Comment: This sequence change replaces arginine, which is basic and polar, with tryptophan, which is neutral and slightly polar, at codon 761 of the GUCY2D protein (p.Arg761Trp). This variant is present in population databases (rs200637525, gnomAD 0.004%). This missense change has been observed in individuals with autosomal recessive inherited retinal dystrophy or autosomal recessive night blindness (PMID: 29559409, 37327959). This variant has been reported in individual(s) with autosomal dominant inherited retinal dystrophy (PMID: 32821499); however, the role of the variant in this condition is currently unclear. ClinVar contains an entry for this variant (Variation ID: 854601). Invitae Evidence Modeling of protein sequence and biophysical properties (such as structural, functional, and spatial information, amino acid conservation, physicochemical variation, residue mobility, and thermodynamic stability) indicates that this missense variant is not expected to disrupt GUCY2D protein function with a negative predictive value of 80%. Experimental studies have shown that this missense change affects GUCY2D function (PMID: 33109612). Algorithms developed to predict the effect of sequence changes on RNA splicing suggest that this variant may disrupt the consensus splice site. In summary, the available evidence is currently insufficient to determine the role of this variant in disease. Therefore, it has been classified as a Variant of Uncertain Significance.

PreventionGenetics, part of Exact Sciences
Classification: Uncertain significance for GUCY2D-related condition. Last evaluated: 2025-07-02. Review status: criteria provided, single submitter. Criteria: ACMG Guidelines, 2015. Collection method: clinical testing. Allele origin: germline.
Comment: The GUCY2D c.2281C>T variant is predicted to result in the amino acid substitution p.Arg761Trp. This variant has been reported in an apparently homozygous state or along with a second GUCY2D variant in individuals with congenital night blindness (Stunkel et al. 2018. PubMed ID: 29559409; Rodilla et al. 2023. PubMed ID: 37327959). This variant has also been reported in the heterozygous state in an individual with retinal disease (Liu et al. 2020. PubMed ID: 32821499). Functional studies reveal that this variant disrupts protein function and colocalization with regulatory proteins (Rodilla et al. 2023. PubMed ID: 37327959). Although we suspect that this variant may be pathogenic for autosomal recessive disease, at this time, the clinical significance of this variant is uncertain due to the absence of conclusive functional and genetic evidence. The clinical significance of this variant in relation to autosomal dominant disease is uncertain at this time due to the absence of conclusive functional and genetic evidence.

Blueprint Genetics
Classification: Uncertain significance. Last evaluated: 2024-10-24. Review status: criteria provided, single submitter. Criteria: ACMG Guidelines, 2015. Collection method: clinical testing. Allele origin: germline.

Institute of Human Genetics, Univ. Regensburg, Univ. Regensburg
Classification: Likely pathogenic for Retinal dystrophy. Last evaluated: 2023-01-01. Review status: criteria provided, single submitter. Criteria: ACMG Guidelines, 2015. Collection method: clinical testing. Allele origin: germline. Affected: yes.

OMIM
Classification: Pathogenic for NIGHT BLINDNESS, CONGENITAL STATIONARY, TYPE 1I. Last evaluated: 2019-09-03. Review status: no assertion criteria provided. Collection method: literature only. Allele origin: germline. Not counted in ClinVar's aggregate classification.

Literature cited by the submitters: PubMed 29559409 (cited by 3 submitters); PubMed 37327959 (cited by Labcorp Genetics (formerly Invitae), Labcorp); PubMed 32821499 (cited by Labcorp Genetics (formerly Invitae), Labcorp and Institute of Human Genetics, Univ. Regensburg, Univ. Regensburg); PubMed 33109612 (cited by Labcorp Genetics (formerly Invitae), Labcorp and Institute of Human Genetics, Univ. Regensburg, Univ. Regensburg).

NM_000180.4(GUCY2D):c.2281C>T (p.Arg761Trp)

Gene: GUCY2D (guanylate cyclase 2D, retinal; plus strand). Cytogenetic location: 17p13.1.
Variant type: single nucleotide variant.
Coding change: c.2281C>T on transcript NM_000180.4 (MANE Select); coding-DNA position 2281, C replaced by T.
Protein change: p.Arg761Trp; replaces arginine 761 with tryptophan.
Molecular consequence: missense variant.
Genome position (GRCh38, 1-based): chr17:8,013,897, C>T. VCF-style: chr17-8013897-C-T. GRCh37 (hg19) VCF-style: chr17-7917215-C-T.
Other names: short protein forms R761W.
Identifiers: ClinVar variation 854601 (VCV000854601.11), dbSNP rs200637525, ClinGen allele CA8366077.
Genomic context (GRCh38, chr17:8,013,897, plus strand): 5'-TGTTCTGGGGGCACTCCCCCTCACTGTCCCCTCATGCCTCCAGAAGTGGTGCAGAGGGTG[C>T]GGAGCCCCCCTCCACTGTGTCGGCCCTTGGTGTCCATGGACCAGGCACCTGTCGAGTGTA-3'
Protein context (NP_000171.1, residues 751-771): LTPEEVVQRV[Arg761Trp]SPPPLCRPLV